The following is an entry in ClinVar:

ClinVar aggregate classification (germline): Conflicting classifications of pathogenicity. Review status: criteria provided, conflicting classifications (1 of 4 stars). 2 submissions from 2 submitters: Uncertain significance (1); Likely benign (1). Last evaluated 2025-02-05.

Conditions:
USP48-related condition.

gnomAD v4.1: 67 of 1,614,160 alleles (0.0042%); highest among the groups gnomAD compares: East Asian, 0.036%; no homozygotes.

Submissions (2):

PreventionGenetics, part of Exact Sciences
Classification: Likely benign for USP48-related condition. Last evaluated: 2025-02-05. Review status: criteria provided, single submitter. Criteria: ACMG Guidelines, 2015. Collection method: clinical testing. Allele origin: germline.
Comment: This variant is classified as likely benign based on ACMG/AMP sequence variant interpretation guidelines (Richards et al. 2015 PMID: 25741868, with internal and published modifications).

Ambry Genetics
Classification: Uncertain significance. Last evaluated: 2024-04-24. Review status: criteria provided, single submitter. Criteria: Ambry Variant Classification Scheme 2023. Collection method: clinical testing. Allele origin: germline.

NM_032236.8(USP48):c.1345G>C (p.Glu449Gln)

Gene: USP48 (ubiquitin specific peptidase 48; minus strand). Cytogenetic location: 1p36.12.
Variant type: single nucleotide variant.
Coding change: c.1345G>C on transcript NM_032236.8 (MANE Select); coding-DNA position 1345, G replaced by C.
Protein change: p.Glu449Gln; replaces glutamic acid 449 with glutamine.
Molecular consequence: missense variant.
Genome position (GRCh38, 1-based): chr1:21,728,675, C>G on the plus strand (G>C on the coding strand, the complement: USP48 is on the minus strand). VCF-style: chr1-21728675-C-G. GRCh37 (hg19) VCF-style: chr1-22055168-C-G.
Other names: c.1345G>C (NM_032236.6); c.1345G>C, p.Glu449Gln (NM_001032730.3, NM_001330394.3, NM_001350168.2); c.1342G>C, p.Glu448Gln (NM_001350164.2, NM_001350166.2, NM_001350167.2); short protein forms E448Q, E449Q.
Identifiers: ClinVar variation 3331602 (VCV003331602.2).